The following is an entry in ClinVar:

NM_177438.3(DICER1):c.2257-30_2257-10del

Gene: DICER1 (dicer 1, ribonuclease III; minus strand). Cytogenetic location: 14q32.13.
Variant type: Deletion.
Coding change: c.2257-30_2257-10del on transcript NM_177438.3 (MANE Select); 30 bases into the intron before coding-DNA position 2257 through 10 bases into the intron before coding-DNA position 2257, 21 bases deleted (ATGACGCTTAATTTTCCTTTC).
Molecular consequence: intron variant.
Genome position (GRCh38, 1-based): chr14:95,108,513-95,108,533, GAAAGGAAAATTAAGCGTCAT deleted on the plus strand (ATGACGCTTAATTTTCCTTTC on the coding strand, the reverse complement: DICER1 is on the minus strand); deleting any 21 consecutive bases within chr14:95,108,513-95,108,534 gives the same sequence; the c. name uses the placement nearest the transcript's 3' end. VCF-style (leftmost placement, unchanged base first): chr14-95108512-GGAAAGGAAAATTAAGCGTCAT-G. GRCh37 (hg19) VCF-style: chr14-95574849-GGAAAGGAAAATTAAGCGTCAT-G.
Other names: c.2257-30_2257-10del (NM_001291628.2, NM_030621.4, NM_001395677.1 and 12 more transcripts); c.1852-30_1852-10del (NM_001395690.1, NM_001395687.1, NM_001395689.1 and 2 more transcripts); c.1975-30_1975-10del (NM_001395686.1); c.1690-30_1690-10del (NM_001395691.1); c.574-30_574-10del (NM_001395697.1).
Identifiers: ClinVar variation 4719554 (VCV004719554.1).

ClinVar aggregate classification (germline): Uncertain significance (1 of 4 stars; one submission).

Conditions:
DICER1-related tumor predisposition. Also called: DICER1 syndrome; DICER1-related pleuropulmonary blastoma cancer predisposition syndrome. Identifiers: Orphanet 284343, MedGen C3839822, MONDO:0100216.

Submission:

Labcorp Genetics (formerly Invitae), Labcorp
Classification: Uncertain significance for DICER1-related tumor predisposition. Last evaluated: 2025-05-14. Review status: criteria provided, single submitter. Criteria: Invitae Variant Classification Sherloc (09022015). Collection method: clinical testing. Allele origin: germline.
Comment: This sequence change falls in intron 14 of the DICER1 gene. It does not directly change the encoded amino acid sequence of the DICER1 protein. This variant is not present in population databases (gnomAD no frequency). This variant has not been reported in the literature in individuals affected with DICER1-related conditions. Experimental studies and prediction algorithms are not available or were not evaluated, and the effect of this variant on mRNA splicing is currently unknown. In summary, the available evidence is currently insufficient to determine the role of this variant in disease. Therefore, it has been classified as a Variant of Uncertain Significance.